The following is an entry in ClinVar:

NM_000059.4(BRCA2):c.6610C>A (p.Pro2204Thr)

Gene: BRCA2 (BRCA2 DNA repair associated; plus strand). Cytogenetic location: 13q13.1.
Variant type: single nucleotide variant.
Coding change: c.6610C>A on transcript NM_000059.4 (MANE Select); coding-DNA position 6610, C replaced by A.
Protein change: p.Pro2204Thr; replaces proline 2204 with threonine.
Molecular consequence: missense variant. On other transcripts: non-coding transcript variant (1), intron variant (2).
Genome position (GRCh38, 1-based): chr13:32,340,965, C>A. VCF-style: chr13-32340965-C-A. GRCh37 (hg19) VCF-style: chr13-32915102-C-A.
Other names: c.6610C>A, p.Pro2204Thr (NM_001406719.1, NM_001406720.1); c.1910-3593C>A (NM_001406721.1); c.425-3593C>A (NM_001406722.1); short protein forms P2204T.
Identifiers: ClinVar variation 2802426 (VCV002802426.4), dbSNP rs2072560609, ClinGen allele CA387790146.

ClinVar aggregate classification (germline): Uncertain significance. Review status: criteria provided, multiple submitters, no conflicts (2 of 4 stars). 2 submissions from 2 submitters: Uncertain significance (2). Last evaluated 2025-09-05.

Conditions:
Hereditary breast ovarian cancer syndrome. Also called: Hereditary breast and ovarian cancer syndrome; Breast and ovarian cancer; BRCA1- and BRCA2-Associated Hereditary Breast and Ovarian Cancer; Hereditary breast and ovarian cancer syndrome (HBOC); Hereditary breast and/or ovarian cancer syndrome; Hereditary breast and ovarian cancer. Identifiers: Orphanet 145, MedGen C0677776, MeSH D061325, MONDO:0003582. Disease mechanism: loss of function.
Hereditary cancer-predisposing syndrome. Also called: Hereditary neoplastic syndrome; Neoplastic Syndromes, Hereditary; Hereditary Cancer Syndrome; Tumor predisposition. Identifiers: Orphanet 140162, MedGen C0027672, MeSH D009386, MONDO:0015356.

Submissions (2):

Color Diagnostics, LLC DBA Color Health
Classification: Uncertain significance for Hereditary cancer-predisposing syndrome. Last evaluated: 2025-09-05. Review status: criteria provided, single submitter. Criteria: ACMG Guidelines, 2015. Collection method: clinical testing. Allele origin: germline.
Comment: This missense variant replaces proline with threonine at codon 2204 of the BRCA2 protein. Computational prediction is inconclusive regarding the impact of this variant on protein structure and function. To our knowledge, functional studies have not been reported for this variant. This variant has not been reported in individuals affected with BRCA2-related disorders in the literature. This variant has not been identified in the general population by the Genome Aggregation Database (gnomAD). The available evidence is insufficient to determine the role of this variant in disease conclusively. Therefore, this variant is classified as a Variant of Uncertain Significance.

Labcorp Genetics (formerly Invitae), Labcorp
Classification: Uncertain significance for Hereditary breast ovarian cancer syndrome. Last evaluated: 2025-07-21. Review status: criteria provided, single submitter. Criteria: Invitae Variant Classification Sherloc (09022015). Collection method: clinical testing. Allele origin: germline.
Comment: This sequence change replaces proline, which is neutral and non-polar, with threonine, which is neutral and polar, at codon 2204 of the BRCA2 protein (p.Pro2204Thr). This variant is not present in population databases (gnomAD no frequency). This variant has not been reported in the literature in individuals affected with BRCA2-related conditions. ClinVar contains an entry for this variant (Variation ID: 2802426). Invitae Evidence Modeling of protein sequence and biophysical properties (such as structural, functional, and spatial information, amino acid conservation, physicochemical variation, residue mobility, and thermodynamic stability) indicates that this missense variant is not expected to disrupt BRCA2 protein function with a negative predictive value of 95%. In summary, the available evidence is currently insufficient to determine the role of this variant in disease. Therefore, it has been classified as a Variant of Uncertain Significance.